The following is an entry in ClinVar:

NM_006087.4(TUBB4A):c.-31C>A

Genes: TUBB4A (tubulin beta 4A class IVa; minus strand), LOC130063295 (ATAC-STARR-seq lymphoblastoid silent region 9955; plus strand). Cytogenetic location: 19p13.3.
Variant type: single nucleotide variant.
Coding change: c.-31C>A on transcript NM_006087.4 (MANE Select); 31 bases upstream of the start codon, C replaced by A.
Molecular consequence: 5 prime UTR variant. On other transcripts: synonymous variant (2).
Genome position (GRCh38, 1-based): chr19:6,502,243, G>T on the plus strand (C>A on the coding strand, the complement: TUBB4A is on the minus strand). VCF-style: chr19-6502243-G-T. GRCh37 (hg19) VCF-style: chr19-6502254-G-T.
Other names: c.123C>A, p.Thr41= (NM_001289123.2); c.105C>A, p.Thr35= (NM_001289127.2); c.-31C>A (NM_001289129.2); c.-204C>A (NM_001289130.2); c.-171C>A (NM_001289131.2).
Identifiers: ClinVar variation 506901 (VCV000506901.2), dbSNP rs373565730, ClinGen allele CA9127494.
Genomic context (GRCh38, chr19:6,502,243, plus strand): 5'-GCCGGCCTGCAGGTGCACGATCTCCCGCATGGCGGTGGCGCTGAGGGTGGACGCGGCGGC[G>T]GTGGCACGAGCGCGGGGAGCTGCGGCGGCGGCGAGGGTGGAAGATGCGGCGGAGACGGCG-3'

ClinVar aggregate classification (germline): Likely benign. Review status: criteria provided, multiple submitters, no conflicts (2 of 4 stars). 2 submissions from 2 submitters: Likely benign (2). Last evaluated 2023-09-29.

Allele frequency attached by ClinVar (database versions not stated): gnomAD exomes 0.00003; ESP Exome Variant Server 0.00008; ExAC 0.00014; gnomAD 0.00040 and 0.00041; TOPMed 0.00046; 1000 Genomes Project 30x 0.00078; 1000 Genomes Project 0.00080.

Submissions (2):

Blueprint Genetics
Classification: Likely benign. Last evaluated: 2023-09-29. Review status: criteria provided, single submitter. Criteria: ACMG Guidelines, 2015. Collection method: clinical testing. Allele origin: germline.

GeneDx
Classification: Likely benign. Last evaluated: 2017-01-20. Review status: criteria provided, single submitter. Criteria: GeneDx Variant Classification (06012015). Collection method: clinical testing. Allele origin: germline. Affected: yes.
Comment: This variant is considered likely benign or benign based on one or more of the following criteria: it is a conservative change, it occurs at a poorly conserved position in the protein, it is predicted to be benign by multiple in silico algorithms, and/or has population frequency not consistent with disease.